The following is an entry in ClinVar:

ClinVar aggregate classification (germline): Benign (1 of 4 stars; one submission).

Conditions:
Hereditary diffuse gastric adenocarcinoma (HDGC). Also called: DIFFUSE GASTRIC AND LOBULAR BREAST CANCER SYNDROME. Identifiers: Orphanet 26106, MedGen C1708349, MONDO:0007648, OMIM 137215.

Submission:

Myriad Genetics, Inc.
Classification: Benign for Hereditary diffuse gastric adenocarcinoma. Last evaluated: 2024-10-10. Review status: criteria provided, single submitter. Criteria: Myriad Autosomal Dominant, Autosomal Recessive and X-Linked Classification Criteria (2023). Collection method: clinical testing. Allele origin: unknown.
Comment: This variant is considered benign. This variant is a silent/synonymous amino acid change and it is not expected to impact splicing.

NM_001903.5(CTNNA1):c.1107T>C (p.Asp369=)

Gene: CTNNA1 (catenin alpha 1; plus strand). Cytogenetic location: 5q31.2.
Variant type: single nucleotide variant.
Coding change: c.1107T>C on transcript NM_001903.5 (MANE Select); coding-DNA position 1107, T replaced by C.
Protein change: p.Asp369=; no amino-acid change (aspartic acid 369 retained).
Molecular consequence: synonymous variant. On other transcripts: 5 prime UTR variant (26), intron variant (2).
Genome position (GRCh38, 1-based): chr5:138,886,256, T>C. VCF-style: chr5-138886256-T-C. GRCh37 (hg19) VCF-style: chr5-138221945-T-C.
Other names: c.1107T>C, p.Asp369= (NM_001290307.3, NM_001323982.2, NM_001323983.1 and 3 more transcripts); c.798T>C, p.Asp266= (NM_001290309.3); c.738T>C, p.Asp246= (NM_001290310.3); c.-4T>C (NM_001290312.1, NM_001323993.1, NM_001323988.1 and 18 more transcripts); c.-401T>C (NM_001324006.1, NM_001324007.1, NM_001324008.1 and 1 more transcripts); c.-276T>C (NM_001324013.1); c.-58+10659T>C (NM_001324012.1); c.-61+10659T>C (NM_001324010.1).
Identifiers: ClinVar variation 3773439 (VCV003773439.1).